The following is an entry in ClinVar:

NM_000535.7(PMS2):c.253C>G (p.Leu85Val)

Gene: PMS2 (PMS1 homolog 2, mismatch repair system component; minus strand). Cytogenetic location: 7p22.1.
Variant type: single nucleotide variant.
Coding change: c.253C>G on transcript NM_000535.7 (MANE Select); coding-DNA position 253, C replaced by G.
Protein change: p.Leu85Val; replaces leucine 85 with valine.
Molecular consequence: missense variant. On other transcripts: 5 prime UTR variant (9), non-coding transcript variant (1), intron variant (2).
Genome position (GRCh38, 1-based): chr7:6,003,790, G>C on the plus strand (C>G on the coding strand, the complement: PMS2 is on the minus strand). VCF-style: chr7-6003790-G-C. GRCh37 (hg19) VCF-style: chr7-6043421-G-C.
Other names: c.-153C>G (NM_001322003.2, NM_001322004.2, NM_001322005.2 and 3 more transcripts); c.253C>G, p.Leu85Val (NM_001322006.2, NM_001322014.2); c.-632C>G (NM_001322011.2, NM_001322012.2); c.-232C>G (NM_001322015.2); c.35+182C>G (NM_001322008.2, NM_001322007.2); short protein forms L85V.
Identifiers: ClinVar variation 455703 (VCV000455703.13), dbSNP rs1554304801, ClinGen allele CA366744730.

ClinVar aggregate classification (germline): Uncertain significance. Review status: criteria provided, multiple submitters, no conflicts (2 of 4 stars). 2 submissions from 2 submitters: Uncertain significance (2). Last evaluated 2018-08-08.

Conditions:
Hereditary nonpolyposis colorectal neoplasms. Identifiers: MedGen C0009405, MeSH D003123.
Hereditary cancer-predisposing syndrome. Also called: Hereditary Cancer Syndrome; Hereditary neoplastic syndrome; Neoplastic Syndromes, Hereditary; Tumor predisposition. Identifiers: Orphanet 140162, MedGen C0027672, MeSH D009386, MONDO:0015356.

Submissions (2):

Ambry Genetics
Classification: Uncertain significance for Hereditary cancer-predisposing syndrome. Last evaluated: 2018-08-08. Review status: criteria provided, single submitter. Criteria: Ambry Variant Classification Scheme 2023. Collection method: clinical testing. Allele origin: germline.
Comment: The p.L85V variant (also known as c.253C>G), located in coding exon 4 of the PMS2 gene, results from a C to G substitution at nucleotide position 253. The leucine at codon 85 is replaced by valine, an amino acid with highly similar properties. This amino acid position is highly conserved in available vertebrate species. In addition, this alteration is predicted to be deleterious by in silico analysis. Since supporting evidence is limited at this time, the clinical significance of this alteration remains unclear.

Labcorp Genetics (formerly Invitae), Labcorp
Classification: Uncertain significance for Hereditary nonpolyposis colorectal neoplasms. Last evaluated: 2017-05-29. Review status: criteria provided, single submitter. Criteria: Invitae Variant Classification Sherloc (09022015). Collection method: clinical testing. Allele origin: germline.
Comment: Algorithms developed to predict the effect of missense changes on protein structure and function do not agree on the potential impact of this missense change (SIFT: "Deleterious"; PolyPhen-2: "Probably Damaging"; Align-GVGD: "Class C0"). This sequence change replaces leucine with valine at codon 85 of the PMS2 protein (p.Leu85Val). The leucine residue is highly conserved and there is a small physicochemical difference between leucine and valine. This variant is not present in population databases (ExAC no frequency). This variant has not been reported in the literature in individuals with a PMS2-related disease. In summary, this variant has uncertain impact on PMS2 function. The available evidence is currently insufficient to determine its role in disease. Therefore, it has been classified as a Variant of Uncertain Significance.